The following is an entry in ClinVar:

NM_000032.5(ALAS2):c.415+197A>G

Gene: ALAS2 (5'-aminolevulinate synthase 2; minus strand). Cytogenetic location: Xp11.21.
Variant type: single nucleotide variant.
Coding change: c.415+197A>G on transcript NM_000032.5 (MANE Select); 197 bases into the intron after coding-DNA position 415, A replaced by G.
Molecular consequence: intron variant.
Genome position (GRCh38, 1-based): chrX:55,023,560, T>C on the plus strand (A>G on the coding strand, the complement: ALAS2 is on the minus strand). VCF-style: chrX-55023560-T-C. GRCh37 (hg19) VCF-style: chrX-55049993-T-C.
Other names: c.304+1158A>G (NM_001037967.4); c.376+1158A>G (NM_001037968.4).
Identifiers: ClinVar variation 674110 (VCV000674110.1), dbSNP rs73490421, ClinGen allele CA328974972.

ClinVar aggregate classification (germline): Benign (1 of 4 stars; one submission).

Allele frequency attached by ClinVar (database versions not stated): 1000 Genomes Project 0.02252; gnomAD 0.02335 and 0.02500; 1000 Genomes Project 30x 0.02435; TOPMed 0.02644.
gnomAD v4.1: 2,561 of 110,763 alleles (2.3%); highest among the groups gnomAD compares: African/African-American, 8%; 87 homozygotes.

Submission:

GeneDx
Classification: Benign. Last evaluated: 2018-06-19. Review status: criteria provided, single submitter. Criteria: GeneDx Variant Classification (06012015). Collection method: clinical testing. Allele origin: germline. Affected: yes.
Comment: This variant is considered likely benign or benign based on one or more of the following criteria: it is a conservative change, it occurs at a poorly conserved position in the protein, it is predicted to be benign by multiple in silico algorithms, and/or has population frequency not consistent with disease.